The following is an entry in ClinVar:

NM_002693.3(POLG):c.2870C>T (p.Ala957Val)

Gene: POLG (DNA polymerase gamma, catalytic subunit; minus strand). Cytogenetic location: 15q26.1.
Variant type: single nucleotide variant.
Coding change: c.2870C>T on transcript NM_002693.3 (MANE Select); coding-DNA position 2870, C replaced by T.
Protein change: p.Ala957Val; replaces alanine 957 with valine.
Molecular consequence: missense variant.
Genome position (GRCh38, 1-based): chr15:89,320,877, G>A on the plus strand (C>T on the coding strand, the complement: POLG is on the minus strand). VCF-style: chr15-89320877-G-A. GRCh37 (hg19) VCF-style: chr15-89864108-G-A.
Other names: c.2870C>T, p.Ala957Val (NM_001126131.2); short protein forms A957V.
Identifiers: ClinVar variation 280016 (VCV000280016.19), dbSNP rs753160398, ClinGen allele CA7724336.

ClinVar aggregate classification (germline): Pathogenic/Likely pathogenic. Review status: criteria provided, multiple submitters, no conflicts (2 of 4 stars). 6 submissions from 6 submitters: Pathogenic (3); Likely pathogenic (3). Last evaluated 2025-06-25.

Conditions:
Mitochondrial DNA depletion syndrome. Also called: mitochondrial DNA depletion. Identifiers: Orphanet 35698, MedGen C0342782, MONDO:0018158.
Progressive sclerosing poliodystrophy (MTDPS4A). Also called: Alpers Syndrome; Mitochondrial DNA Depletion Syndrome 4A; Alpers-Huttenlocher Syndrome (AHS); ALPERS PROGRESSIVE INFANTILE POLIODYSTROPHY; NEURONAL DEGENERATION OF CHILDHOOD WITH LIVER DISEASE, PROGRESSIVE; ALPERS DIFFUSE DEGENERATION OF CEREBRAL GRAY MATTER WITH HEPATIC CIRRHOSIS. Identifiers: Orphanet 726, MedGen C0205710, MONDO:0008758, OMIM 203700.

Allele frequency attached by ClinVar (database versions not stated): gnomAD exomes below 0.00001 and 0.00001; TOPMed below 0.00001; gnomAD 0.00001 and 0.00002; ExAC 0.00002.

Submissions (6):

Women's Health and Genetics/Laboratory Corporation of America, LabCorp
Classification: Likely pathogenic for Mitochondrial DNA depletion syndrome. Last evaluated: 2025-06-25. Review status: criteria provided, single submitter. Criteria: LabCorp Variant Classification Summary - May 2015. Collection method: clinical testing. Allele origin: germline.
Comment: Variant summary: POLG c.2870C>T (p.Ala957Val) results in a non-conservative amino acid change in the encoded protein sequence. Algorithms developed to predict the effect of missense changes on protein structure and function all suggest that this variant is likely to be disruptive. The variant allele was found at a frequency of 8e-06 in 251232 control chromosomes. c.2870C>T has been observed in the compound heterozygous state in individuals affected with Mitochondrial DNA Depletion Syndrome - POLG Related (Yamazaki_2014, Tang_2011). These data indicate that the variant is likely to be associated with disease. To our knowledge, no experimental evidence demonstrating an impact on protein function has been reported. The following publications have been ascertained in the context of this evaluation (PMID: 21880868, 24266892). ClinVar contains an entry for this variant (Variation ID: 280016). Based on the evidence outlined above, the variant was classified as likely pathogenic.

Labcorp Genetics (formerly Invitae), Labcorp
Classification: Pathogenic for Progressive sclerosing poliodystrophy. Last evaluated: 2025-04-20. Review status: criteria provided, single submitter. Criteria: Invitae Variant Classification Sherloc (09022015). Collection method: clinical testing. Allele origin: germline.
Comment: This sequence change replaces alanine, which is neutral and non-polar, with valine, which is neutral and non-polar, at codon 957 of the POLG protein (p.Ala957Val). This variant is present in population databases (rs753160398, gnomAD 0.003%). This missense change has been observed in individuals with clinical features of autosomal recessive POLG-related conditions (PMID: 21880868, 25466440, 32703289). ClinVar contains an entry for this variant (Variation ID: 280016). Invitae Evidence Modeling of protein sequence and biophysical properties (such as structural, functional, and spatial information, amino acid conservation, physicochemical variation, residue mobility, and thermodynamic stability) indicates that this missense variant is expected to disrupt POLG protein function with a positive predictive value of 95%. This variant disrupts the p.Ala957 amino acid residue in POLG. Other variant(s) that disrupt this residue have been determined to be pathogenic (PMID: 12210792, 15258572, 15689359, 23208208, 29915382). This suggests that this residue is clinically significant, and that variants that disrupt this residue are likely to be disease-causing. For these reasons, this variant has been classified as Pathogenic.

AiLife Diagnostics
Classification: Likely pathogenic. Last evaluated: 2022-02-28. Review status: criteria provided, single submitter. Criteria: ACMG Guidelines, 2015. Collection method: clinical testing. Allele origin: germline. Affected: yes. Observed: 1 variant allele.

GeneDx
Classification: Pathogenic. Last evaluated: 2020-09-28. Review status: criteria provided, single submitter. Criteria: GeneDx Variant Classification Process June 2021. Collection method: clinical testing. Allele origin: germline. Affected: yes.
Comment: Multiple pathogenic missense variants at this residue (p.A957S and p.A957P) have been reported in association with POLG-related disorders (Stenson et al., 2014); Not observed at a significant frequency in large population cohorts (Lek et al., 2016); In silico analysis supports that this missense variant has a deleterious effect on protein structure/function; This variant is associated with the following publications: (PMID: 25466440, 21880868, 32234506, 32703289)

Wong Mito Lab, Molecular and Human Genetics, Baylor College of Medicine
Classification: Pathogenic for Progressive sclerosing poliodystrophy. Last evaluated: 2018-10-01. Review status: criteria provided, single submitter. Criteria: ACMG Guidelines, 2015. Collection method: clinical testing. Allele origin: germline.
Comment: The NM_002693.2:c.2870C>T (NP_002684.1:p.Ala957Val) [GRCH38: NC_000015.10:g.89320877G>A] variant in POLG gene is interpretated to be a Pathogenic based on ACMG guidelines (PMID: 25741868). This variant has been reported in PMID:21880868 . This variant meets the following evidence codes reported in the ACMG-guideline. PS1:This variation causes same amino-acid change as an established pathogenic variant. PS3:Well established functional studies show a deleterious effect on POLG. PM2:This variant is absent in key population databases. PM3:Detected in trans with a pathogenic variant for Mitochondrial DNA depletion syndrome 4A (Alpers type) which is a recessive disorder. PP1:This variant is co-segregated with Mitochondrial DNA depletion syndrome 4A (Alpers type) in multiple affected family members. PP4:Patient's phenotype or family history is highly specific for POLG. Based on the evidence criteria codes applied, the variant is suggested to be Pathogenic.

Eurofins Ntd Llc (ga)
Classification: Likely pathogenic. Last evaluated: 2016-04-04. Review status: criteria provided, single submitter. Criteria: EGL Classification Definitions 2015. Collection method: clinical testing. Allele origin: germline. Observed: 1 variant allele, 1 heterozygote.

Literature cited by the submitters: PubMed 21880868 (cited by 4 submitters); PubMed 24266892 (cited by Women's Health and Genetics/Laboratory Corporation of America, LabCorp); PubMed 25466440 (cited by Labcorp Genetics (formerly Invitae), Labcorp and AiLife Diagnostics); PubMed 32703289 (cited by Labcorp Genetics (formerly Invitae), Labcorp and AiLife Diagnostics); PubMed 12210792 (cited by Labcorp Genetics (formerly Invitae), Labcorp); PubMed 15258572 (cited by Labcorp Genetics (formerly Invitae), Labcorp); PubMed 15689359 (cited by Labcorp Genetics (formerly Invitae), Labcorp); PubMed 23208208 (cited by Labcorp Genetics (formerly Invitae), Labcorp); PubMed 29915382 (cited by Labcorp Genetics (formerly Invitae), Labcorp).